The following is an entry in ClinVar:

ClinVar aggregate classification (germline): Likely pathogenic (1 of 4 stars; one submission).

Submission:

GeneDx
Classification: Likely pathogenic. Last evaluated: 2022-06-02. Review status: criteria provided, single submitter. Criteria: GeneDx Variant Classification Process June 2021. Collection method: clinical testing. Allele origin: germline. Affected: yes.
Comment: Frameshift variant predicted to result in protein truncation, as the last 16 amino acids are replaced with 31 different amino acids, and other loss-of-function variants have been reported downstream in HGMD; Not observed at significant frequency in large population cohorts (gnomAD); Has not been previously published as pathogenic or benign to our knowledge

NM_001378615.1(CC2D2A):c.4814dup (p.Asn1605fs)

Genes: FBXL5 (F-box and leucine rich repeat protein 5; minus strand), CC2D2A (coiled-coil and C2 domain containing 2A; plus strand). Cytogenetic location: 4p15.32.
Variant type: Duplication.
Coding change: c.4814dup on transcript NM_001378615.1 (MANE Select); coding-DNA position 4814, one base duplicated (A; older notation c.4814dupA).
Protein change: p.Asn1605fs; shifts the reading frame from asparagine 1605.
Molecular consequence: frameshift variant.
Genome position (GRCh38, 1-based): chr4:15,601,376, A duplicated; the last of 5 consecutive A bases (chr4:15,601,372-15,601,376); duplicating any one gives the same sequence. VCF-style (leftmost placement, unchanged base first): chr4-15601371-C-CA. GRCh37 (hg19) VCF-style: chr4-15602994-C-CA.
Other names: c.4814dup, p.Asn1605fs (NM_001080522.2); c.4667dup, p.Asn1556fs (NM_001378617.1); short protein forms N1605fs, N1556fs.
Identifiers: ClinVar variation 2136280 (VCV002136280.1), dbSNP rs2475163508, ClinGen allele CA2580070876.
Genomic context (GRCh38, chr4:15,601,371, plus strand): 5'-ACATAATATTGATGTTCCTAATGTTGAATTTGCTTTAGCTGTATACATACACCCATACCC[C>CA]AAAAATGTTTTGTCTGTTTGGATCTATGTTGCCTCTCTTATACGCAACAGGTAATTTTTT-3'